The following is an entry in ClinVar:

ClinVar aggregate classification (germline): Benign (0 of 4 stars; one submission).

Conditions:
ZMYM6-related disorder. Also called: ZMYM6-related condition.

Allele frequency attached by ClinVar (database versions not stated): gnomAD exomes 0.00412; ExAC 0.01559; ESP Exome Variant Server 0.03436; gnomAD 0.03742; 1000 Genomes Project 0.04273; TOPMed 0.04299; 1000 Genomes Project 30x 0.04419.
gnomAD v4.1: 11,850 of 1,550,912 alleles (0.76%); highest among the groups gnomAD compares: African/African-American, 13%; 660 homozygotes.

Submission:

PreventionGenetics, part of Exact Sciences
Classification: Benign for ZMYM6-related condition. Last evaluated: 2019-10-29. Review status: no assertion criteria provided. Collection method: clinical testing. Allele origin: germline.
Comment: This variant is classified as benign based on ACMG/AMP sequence variant interpretation guidelines (Richards et al. 2015 PMID: 25741868, with internal and published modifications).

NM_007167.4(ZMYM6):c.2568T>C (p.Tyr856=)

Gene: ZMYM6 (zinc finger MYM-type containing 6; minus strand). Cytogenetic location: 1p34.3.
Variant type: single nucleotide variant.
Coding change: c.2568T>C on transcript NM_007167.4 (MANE Select); coding-DNA position 2568, T replaced by C.
Protein change: p.Tyr856=; no amino-acid change (tyrosine 856 retained).
Molecular consequence: synonymous variant.
Genome position (GRCh38, 1-based): chr1:34,988,514, A>G on the plus strand (T>C on the coding strand, the complement: ZMYM6 is on the minus strand). VCF-style: chr1-34988514-A-G. GRCh37 (hg19) VCF-style: chr1-35454115-A-G.
Identifiers: ClinVar variation 3037385 (VCV003037385.2), dbSNP rs61745582, ClinGen allele CA756265.